The following is an entry in ClinVar:

ClinVar aggregate classification (germline): Uncertain significance. Review status: criteria provided, multiple submitters, no conflicts (2 of 4 stars). 3 submissions from 3 submitters: Uncertain significance (3). Last evaluated 2026-08-26.

Conditions:
Hereditary cancer-predisposing syndrome. Also called: Tumor predisposition; Hereditary Cancer Syndrome; Hereditary neoplastic syndrome; Neoplastic Syndromes, Hereditary. Identifiers: Orphanet 140162, MedGen C0027672, MeSH D009386, MONDO:0015356.
Melanoma, cutaneous malignant, susceptibility to, 8. Also called: MELANOMA AND RENAL CELL CARCINOMA, SUSCEPTIBILITY TO; Cutaneous malignant melanoma 8. Identifiers: Orphanet 293822, MedGen C3152204, MONDO:0013759, OMIM 614456.
Waardenburg syndrome type 2A (WS2A). Also called: WAARDENBURG SYNDROME WITHOUT DYSTOPIA CANTHORUM. Identifiers: Orphanet 3440, MedGen C1860339, MONDO:0008671, OMIM 193510.
Tietz syndrome (TADS). Also called: ALBINISM-DEAFNESS OF TIETZ; HYPOPIGMENTATION/DEAFNESS OF TIETZ; TIETZ ALBINISM-DEAFNESS SYNDROME. Identifiers: Orphanet 42665, MedGen C0391816, MONDO:0007077, OMIM 103500.

gnomAD v4.1: 1 of 1,612,600 alleles (0.000062%); highest among the groups gnomAD compares: Non-Finnish European, 0.000085%; no homozygotes.

Submissions (3):

Ambry Genetics
Classification: Uncertain significance for Hereditary cancer-predisposing syndrome. Last evaluated: 2026-08-26. Review status: criteria provided, single submitter. Criteria: Ambry Variant Classification Scheme 2023. Collection method: clinical testing. Allele origin: germline.
Comment: The p.A187E variant (also known as c.560C>A) is located in coding exon 6 of the MITF gene. The alanine at codon 187 is replaced by glutamic acid, an amino acid with dissimilar properties. This change occurs in the first base pair of coding exon 6. This amino acid position is conserved. In addition, this alteration is predicted to be tolerated by in silico analysis. Based on the available evidence, the clinical significance of this variant remains unclear.

Labcorp Genetics (formerly Invitae), Labcorp
Classification: Uncertain significance for Melanoma, cutaneous malignant, susceptibility to, 8; Waardenburg syndrome type 2A; Tietz syndrome. Last evaluated: 2025-02-03. Review status: criteria provided, single submitter. Criteria: Invitae Variant Classification Sherloc (09022015). Collection method: clinical testing. Allele origin: germline.
Comment: This sequence change replaces alanine, which is neutral and non-polar, with glutamic acid, which is acidic and polar, at codon 187 of the MITF protein (p.Ala187Glu). This variant is not present in population databases (gnomAD no frequency). This variant has not been reported in the literature in individuals affected with MITF-related conditions. ClinVar contains an entry for this variant (Variation ID: 3341022). An algorithm developed to predict the effect of missense changes on protein structure and function (PolyPhen-2) suggests that this variant is likely to be disruptive. In summary, the available evidence is currently insufficient to determine the role of this variant in disease. Therefore, it has been classified as a Variant of Uncertain Significance.

GeneDx
Classification: Uncertain significance. Last evaluated: 2023-09-11. Review status: criteria provided, single submitter. Criteria: GeneDx Variant Classification Process June 2021. Collection method: clinical testing. Allele origin: germline. Affected: yes.
Comment: Not observed at significant frequency in large population cohorts (gnomAD); In silico analysis supports that this missense variant does not alter protein structure/function; Has not been previously published as pathogenic or benign to our knowledge

NM_001354604.2(MITF):c.881C>A (p.Ala294Glu)

Gene: MITF (melanocyte inducing transcription factor; plus strand). Cytogenetic location: 3p13.
Variant type: single nucleotide variant.
Coding change: c.881C>A on transcript NM_001354604.2 (MANE Select); coding-DNA position 881, C replaced by A.
Protein change: p.Ala294Glu; replaces alanine 294 with glutamic acid.
Molecular consequence: missense variant. On other transcripts: intron variant (9).
Genome position (GRCh38, 1-based): chr3:69,951,812, C>A. VCF-style: chr3-69951812-C-A. GRCh37 (hg19) VCF-style: chr3-70000963-C-A.
Other names: c.560C>A, p.Ala187Glu (NM_000248.4); c.878C>A, p.Ala293Glu (NM_001354605.2); c.830-18C>A (NM_001354607.2); c.725-18C>A (NM_001354608.2, NM_001184967.2); c.881-18C>A (NM_198159.3); c.878-18C>A (NM_001354606.2, NM_006722.3); c.833-18C>A (NM_198177.3); c.560-18C>A (NM_198158.3); and 1 more; short protein forms A187E, A293E, A294E.
Identifiers: ClinVar variation 3341022 (VCV003341022.4).